The following is an entry in ClinVar:

NM_005660.3(SLC35A2):c.944T>C (p.Leu315Pro)

Gene: SLC35A2 (solute carrier family 35 member A2; minus strand). Cytogenetic location: Xp11.23.
Variant type: single nucleotide variant.
Coding change: c.944T>C on transcript NM_005660.3 (MANE Select); coding-DNA position 944, T replaced by C.
Protein change: p.Leu315Pro; replaces leucine 315 with proline.
Molecular consequence: missense variant. On other transcripts: intron variant (3).
Genome position (GRCh38, 1-based): chrX:48,904,965, A>G on the plus strand (T>C on the coding strand, the complement: SLC35A2 is on the minus strand). VCF-style: chrX-48904965-A-G. GRCh37 (hg19) VCF-style: chrX-48762242-A-G.
Other names: c.944T>C, p.Leu315Pro (NM_001042498.3); c.761T>C, p.Leu254Pro (NM_001282649.2); c.983T>C, p.Leu328Pro (NM_001282650.2); c.1028T>C, p.Leu343Pro (NM_001282651.2); c.427-73T>C (NM_001282647.2, NM_001032289.3); c.355-73T>C (NM_001282648.2); short protein forms L315P, L254P, L328P, L343P.
Identifiers: ClinVar variation 430450 (VCV000430450.1), dbSNP rs1131691973, ClinGen allele CA412894717.
Genomic context (GRCh38, chrX:48,904,965, plus strand): 5'-ACAGCACCAATGACGAGTCCAGCGCCAAGGGCAAATAATGGGTCCACGTGGAAGCCAAAG[A>G]GGCGAATGGAGGCAACAGTGGACAGCACAATGGACAGGGAGGTGGCAAAGCCCTTGAGGA-3'
Protein context (NP_005651.1, residues 305-325): IVLSTVASIR[Leu315Pro]FGFHVDPLFA

ClinVar aggregate classification (germline): Likely pathogenic (1 of 4 stars; one submission).

Submission:

GeneDx
Classification: Likely pathogenic. Last evaluated: 2016-08-17. Review status: criteria provided, single submitter. Criteria: GeneDx Variant Classification (06012015). Collection method: clinical testing. Allele origin: germline. Affected: yes.
Comment: The L315P de novo variant in the SLC35A2 gene has not been reported previously as a pathogenic variant, nor as a benign variant, to our knowledge. The L315P variant was not observed in approximately 6,500 individuals of European and African American ancestry in the NHLBI Exome Sequencing Project, indicating it is not a common benign variant in these populations. The L315P variant is a semi-conservative amino acid substitution, which may impact secondary protein structure as these residues differ in some properties. This substitution occurs at a position that is conserved across species., and in silico analysis predicts this variant is probably damaging to the protein structure/function. Based on currently available evidence, the L315P variant is a strong candidate for a pathogenic variant.However the possibility that this variant may be a rare benign variant cannot be excluded.